The following is an entry in ClinVar:

NM_000363.5(TNNI3):c.93G>C (p.Thr31=)

Gene: TNNI3 (troponin I3, cardiac type; minus strand). Cytogenetic location: 19q13.42.
Variant type: single nucleotide variant.
Coding change: c.93G>C on transcript NM_000363.5 (MANE Select); coding-DNA position 93, G replaced by C.
Protein change: p.Thr31=; no amino-acid change (threonine 31 retained).
Molecular consequence: synonymous variant.
Genome position (GRCh38, 1-based): chr19:55,157,065, C>G on the plus strand (G>C on the coding strand, the complement: TNNI3 is on the minus strand). VCF-style: chr19-55157065-C-G. GRCh37 (hg19) VCF-style: chr19-55668433-C-G.
Identifiers: ClinVar variation 1113087 (VCV001113087.15), dbSNP rs765719980, ClinGen allele CA052016.
Genomic context (GRCh38, chr19:55,157,065, plus strand): 5'-ATCCCTCCGGCGCCTGTACTCTGCCCCCAGGAAGCCCCGTCCCACCTTGGCGTGCGGCTC[C>G]GTGGCATAAGCGCGGTAGTTGGAGGAGCGGCGTCTGATTGGGGCTGGTGCAGGGCGAGGT-3'
Protein context (NP_000354.4, residues 21-41): RRSSNYRAYA[Thr31=]EPHAKKKSKI

ClinVar aggregate classification (germline): Likely benign. Review status: criteria provided, multiple submitters, no conflicts (2 of 4 stars). 4 submissions from 4 submitters: Likely benign (4). Last evaluated 2025-09-21.

Conditions:
Cardiomyopathy (CMYO). Also called: Cardiomyopathies. Identifiers: Orphanet 167848, MedGen C0878544, MONDO:0004994, HP:0001638. Inheritance: Various modes of inheritance.
Cardiovascular phenotype. Identifiers: MedGen CN230736.
Hypertrophic cardiomyopathy. Also called: HYPERTROPHIC MYOCARDIOPATHY. Identifiers: Orphanet 217569, MedGen C0007194, MeSH D002312, MONDO:0005045, HP:0001639.

Allele frequency attached by ClinVar (database versions not stated): TOPMed 0.00001; ExAC 0.00002; gnomAD 0.00003.

Submissions (4):

Labcorp Genetics (formerly Invitae), Labcorp
Classification: Likely benign for Hypertrophic cardiomyopathy. Last evaluated: 2025-09-21. Review status: criteria provided, single submitter. Criteria: Invitae Variant Classification Sherloc (09022015). Collection method: clinical testing. Allele origin: germline.

All of Us Research Program, National Institutes of Health
Classification: Likely benign for Hypertrophic cardiomyopathy. Last evaluated: 2024-04-16. Review status: criteria provided, single submitter. Criteria: ACMG Guidelines, 2015. Collection method: clinical testing. Allele origin: germline. Inheritance: Autosomal dominant inheritance. Observed: 5 variant alleles, 5 heterozygotes.
Comment: This study involves interpretation of variants in research participants for the purpose of population health screening. Participant phenotype was not available at the time of variant classification. Additional details can be found in publication PMID: 35346344, PMCID: PMC8962531

Color Diagnostics, LLC DBA Color Health
Classification: Likely benign for Cardiomyopathy. Last evaluated: 2022-11-06. Review status: criteria provided, single submitter. Criteria: ACMG Guidelines, 2015. Collection method: clinical testing. Allele origin: germline.

Ambry Genetics
Classification: Likely benign for Cardiovascular phenotype. Last evaluated: 2020-11-09. Review status: criteria provided, single submitter. Criteria: Ambry Variant Classification Scheme 2023. Collection method: clinical testing. Allele origin: germline.